The following is an entry in ClinVar:

NM_002894.3(RBBP8):c.1827T>C (p.His609=)

Gene: RBBP8 (RB binding protein 8, endonuclease; plus strand). Cytogenetic location: 18q11.2.
Variant type: single nucleotide variant.
Coding change: c.1827T>C on transcript NM_002894.3 (MANE Select); coding-DNA position 1827, T replaced by C.
Protein change: p.His609=; no amino-acid change (histidine 609 retained).
Molecular consequence: synonymous variant.
Genome position (GRCh38, 1-based): chr18:22,993,735, T>C. VCF-style: chr18-22993735-T-C. GRCh37 (hg19) VCF-style: chr18-20573698-T-C.
Other names: c.1827T>C, p.His609= (NM_203291.2, NM_203292.2); c.1827T>C (NM_002894.2).
Identifiers: ClinVar variation 2799993 (VCV002799993.5), dbSNP rs776809938, ClinGen allele CA8910148.

ClinVar aggregate classification (germline): Likely benign. Review status: criteria provided, single submitter (1 of 4 stars). 2 submissions from 2 submitters: Likely benign (1). 1 of the submissions does not count toward it. Last evaluated 2023-09-18.

Conditions:
RBBP8-related disorder. Also called: RBBP8-related condition; RBBP8-Related Disorders. Identifiers: MedGen CN239300.

Allele frequency attached by ClinVar (database versions not stated): gnomAD exomes 0.00001; ExAC 0.00002; TOPMed 0.00002; gnomAD 0.00003.
gnomAD v4.1: 22 of 1,614,064 alleles (0.0014%); highest among the groups gnomAD compares: African/African-American, 0.0093%; no homozygotes.

Submissions (2):

Labcorp Genetics (formerly Invitae), Labcorp
Classification: Likely benign. Last evaluated: 2023-09-18. Review status: criteria provided, single submitter. Criteria: Invitae Variant Classification Sherloc (09022015). Collection method: clinical testing. Allele origin: germline.

PreventionGenetics, part of Exact Sciences
Classification: Likely benign for RBBP8-related condition. Last evaluated: 2019-05-16. Review status: no assertion criteria provided. Collection method: clinical testing. Allele origin: germline. Not counted in ClinVar's aggregate classification.
Comment: This variant is classified as likely benign based on ACMG/AMP sequence variant interpretation guidelines (Richards et al. 2015 PMID: 25741868, with internal and published modifications).